The following is an entry in ClinVar:

NM_004385.5(VCAN):c.2687C>G (p.Thr896Ser)

Gene: VCAN (versican; plus strand). Cytogenetic location: 5q14.3.
Variant type: single nucleotide variant.
Coding change: c.2687C>G on transcript NM_004385.5 (MANE Select); coding-DNA position 2687, C replaced by G.
Protein change: p.Thr896Ser; replaces threonine 896 with serine.
Molecular consequence: missense variant. On other transcripts: intron variant (2).
Genome position (GRCh38, 1-based): chr5:83,520,993, C>G. VCF-style: chr5-83520993-C-G. GRCh37 (hg19) VCF-style: chr5-82816812-C-G.
Other names: c.2687C>G, p.Thr896Ser (NM_001164098.2); c.1042+8597C>G (NM_001164097.2, NM_001126336.3); c.2687C>G (NM_004385.4); short protein forms T896S.
Identifiers: ClinVar variation 1370007 (VCV001370007.7), dbSNP rs754835981, ClinGen allele CA3332880.
Genomic context (GRCh38, chr5:83,520,993, plus strand): 5'-ATGGAAAATTCACAATTAGATTTCAGCCAACTACATCAACTGGTATTGCAGAAAAGTCAA[C>G]TTTGAGAGATTCTACAACTGAAGAAAAAGTTCCACCTATCACAAGCACTGAAGGCCAAGT-3'
Protein context (NP_004376.2, residues 886-906): TTSTGIAEKS[Thr896Ser]LRDSTTEEKV

ClinVar aggregate classification (germline): Uncertain significance. Review status: criteria provided, multiple submitters, no conflicts (2 of 4 stars). 2 submissions from 2 submitters: Uncertain significance (2). Last evaluated 2025-04-12.

Conditions:
Inborn genetic diseases. Identifiers: MedGen C0950123, MeSH D030342.

Allele frequency attached by ClinVar (database versions not stated): gnomAD exomes below 0.00001 and 0.00002; ExAC 0.00002; TOPMed 0.00003; gnomAD 0.00005 and 0.00006.
gnomAD v4.1: 12 of 1,613,788 alleles (0.00074%); highest among the groups gnomAD compares: African/African-American, 0.015%; no homozygotes.

Submissions (2):

Ambry Genetics
Classification: Uncertain significance for Inborn genetic diseases. Last evaluated: 2025-04-12. Review status: criteria provided, single submitter. Criteria: Ambry Variant Classification Scheme 2023. Collection method: clinical testing. Allele origin: germline.

Labcorp Genetics (formerly Invitae), Labcorp
Classification: Uncertain significance. Last evaluated: 2023-11-04. Review status: criteria provided, single submitter. Criteria: Invitae Variant Classification Sherloc (09022015). Collection method: clinical testing. Allele origin: germline.
Comment: This sequence change replaces threonine, which is neutral and polar, with serine, which is neutral and polar, at codon 896 of the VCAN protein (p.Thr896Ser). This variant is present in population databases (rs754835981, gnomAD 0.03%). This variant has not been reported in the literature in individuals affected with VCAN-related conditions. ClinVar contains an entry for this variant (Variation ID: 1370007). An algorithm developed to predict the effect of missense changes on protein structure and function (PolyPhen-2) suggests that this variant is likely to be disruptive. In summary, the available evidence is currently insufficient to determine the role of this variant in disease. Therefore, it has been classified as a Variant of Uncertain Significance.